The following is an entry in ClinVar:

ClinVar aggregate classification (germline): Uncertain significance. Review status: criteria provided, multiple submitters, no conflicts (2 of 4 stars). 2 submissions from 2 submitters: Uncertain significance (2). Last evaluated 2024-04-08.

Conditions:
Ataxia-telangiectasia syndrome (AT). Also called: LOUIS-BAR SYNDROME; Cerebello-oculocutaneous telangiectasia; Immunodeficiency with ataxia telangiectasia; Ataxia telangiectasia (A-T); Ataxia-telangiectasia, complementation group D; AT, COMPLEMENTATION GROUP C. Identifiers: Orphanet 100, MedGen C0004135, MONDO:0008840, OMIM 208900.
Hereditary cancer-predisposing syndrome. Also called: Neoplastic Syndromes, Hereditary; Tumor predisposition; Hereditary Cancer Syndrome; Hereditary neoplastic syndrome. Identifiers: Orphanet 140162, MedGen C0027672, MeSH D009386, MONDO:0015356.

Allele frequency attached by ClinVar (database versions not stated): gnomAD 0.00001.
gnomAD v4.1: 1 of 1,614,076 alleles (0.000062%); highest among the groups gnomAD compares: African/African-American, 0.0013%; no homozygotes.

Submissions (2):

Labcorp Genetics (formerly Invitae), Labcorp
Classification: Uncertain significance for Ataxia-telangiectasia syndrome. Last evaluated: 2024-04-08. Review status: criteria provided, single submitter. Criteria: Invitae Variant Classification Sherloc (09022015). Collection method: clinical testing. Allele origin: germline.
Comment: This sequence change replaces asparagine, which is neutral and polar, with lysine, which is basic and polar, at codon 2963 of the ATM protein (p.Asn2963Lys). This variant is present in population databases (no rsID available, gnomAD 0.01%). This variant has not been reported in the literature in individuals affected with ATM-related conditions. ClinVar contains an entry for this variant (Variation ID: 1513628). An algorithm developed to predict the effect of missense changes on protein structure and function (PolyPhen-2) suggests that this variant is likely to be disruptive. In summary, the available evidence is currently insufficient to determine the role of this variant in disease. Therefore, it has been classified as a Variant of Uncertain Significance.

Ambry Genetics
Classification: Uncertain significance for Hereditary cancer-predisposing syndrome. Last evaluated: 2022-01-16. Review status: criteria provided, single submitter. Criteria: Ambry Variant Classification Scheme 2023. Collection method: clinical testing. Allele origin: germline.
Comment: The p.N2963K variant (also known as c.8889T>A), located in coding exon 61 of the ATM gene, results from a T to A substitution at nucleotide position 8889. The asparagine at codon 2963 is replaced by lysine, an amino acid with similar properties. This amino acid position is conserved. In addition, this alteration is predicted to be tolerated by in silico analysis. Since supporting evidence is limited at this time, the clinical significance of this alteration remains unclear.

NM_000051.4(ATM):c.8889T>A (p.Asn2963Lys)

Genes: ATM (ATM serine/threonine kinase; plus strand), C11orf65 (chromosome 11 open reading frame 65; minus strand). Cytogenetic location: 11q22.3.
Variant type: single nucleotide variant.
Coding change: c.8889T>A on transcript NM_000051.4 (MANE Select); coding-DNA position 8889, T replaced by A.
Protein change: p.Asn2963Lys; replaces asparagine 2963 with lysine.
Molecular consequence: missense variant. On other transcripts: intron variant (2).
Genome position (GRCh38, 1-based): chr11:108,365,120, T>A. VCF-style: chr11-108365120-T-A. GRCh37 (hg19) VCF-style: chr11-108235847-T-A.
Other names: c.8889T>A, p.Asn2963Lys (NM_001351834.2); c.640+20800A>T (NM_001330368.2); c.694+20800A>T (NM_001351110.2); short protein forms N2963K.
Identifiers: ClinVar variation 1513628 (VCV001513628.9), dbSNP rs1476881353, ClinGen allele CA382529729.
Genomic context (GRCh38, chr11:108,365,120, plus strand): 5'-TACATATGTTCTCTCTGTTTAGGTCCTTCTATATGATCCACTCTTTGACTGGACCATGAA[T>A]CCTTTGAAAGCTTTGTATTTACAGCAGAGGCCGGAAGATGAAACTGAGCTTCACCCTACT-3'
Protein context (NP_000042.3, residues 2953-2973): LYDPLFDWTM[Asn2963Lys]PLKALYLQQR